The following is an entry in ClinVar:

NM_004204.5(PIGQ):c.*95T>C

Gene: PIGQ (phosphatidylinositol glycan anchor biosynthesis class Q; plus strand). Cytogenetic location: 16p13.3.
Variant type: single nucleotide variant.
Coding change: c.*95T>C on transcript NM_004204.5 (MANE Select); 95 bases downstream of the stop codon, T replaced by C.
Molecular consequence: 3 prime UTR variant. On other transcripts: synonymous variant (1).
Genome position (GRCh38, 1-based): chr16:583,130, T>C. VCF-style: chr16-583130-T-C. GRCh37 (hg19) VCF-style: chr16-633130-T-C.
Other names: c.1779T>C, p.Ala593= (NM_148920.4).
Identifiers: ClinVar variation 3054041 (VCV003054041.2), dbSNP rs748448447, ClinGen allele CA7780540.

ClinVar aggregate classification (germline): Likely benign (0 of 4 stars; one submission).

Conditions:
PIGQ-related disorder. Also called: PIGQ-related condition.

Allele frequency attached by ClinVar (database versions not stated): ExAC 0.00002; gnomAD 0.00003; gnomAD exomes 0.00003; TOPMed 0.00005.
gnomAD v4.1: 29 of 1,613,150 alleles (0.0018%); highest among the groups gnomAD compares: African/African-American, 0.0067%; no homozygotes.

Submission:

PreventionGenetics, part of Exact Sciences
Classification: Likely benign for PIGQ-related condition. Last evaluated: 2023-02-28. Review status: no assertion criteria provided. Collection method: clinical testing. Allele origin: germline.
Comment: This variant is classified as likely benign based on ACMG/AMP sequence variant interpretation guidelines (Richards et al. 2015 PMID: 25741868, with internal and published modifications).